The following is an entry in ClinVar:

NM_001165963.4(SCN1A):c.715G>A (p.Ala239Thr)

Gene: SCN1A (sodium voltage-gated channel alpha subunit 1; minus strand). Cytogenetic location: 2q24.3.
Variant type: single nucleotide variant.
Coding change: c.715G>A on transcript NM_001165963.4 (MANE Select); coding-DNA position 715, G replaced by A.
Protein change: p.Ala239Thr; replaces alanine 239 with threonine.
Molecular consequence: missense variant. On other transcripts: 5 prime UTR variant (1), non-coding transcript variant (1).
Genome position (GRCh38, 1-based): chr2:166,051,968, C>T on the plus strand (G>A on the coding strand, the complement: SCN1A is on the minus strand). VCF-style: chr2-166051968-C-T. GRCh37 (hg19) VCF-style: chr2-166908478-C-T.
Other names: c.715G>A, p.Ala239Thr (NM_001165964.3, NM_001202435.3, NM_001353948.2 and 10 more transcripts); c.-1711G>A (NM_001353961.2); short protein forms A239T.
Identifiers: ClinVar variation 68580 (VCV000068580.4), dbSNP rs121917985, ClinGen allele CA285048.

ClinVar aggregate classification (germline): Pathogenic. Review status: criteria provided, multiple submitters, no conflicts (2 of 4 stars). 3 submissions from 3 submitters: Pathogenic (2). 1 of the submissions does not count toward it. Last evaluated 2024-06-16.

Conditions:
Early-infantile DEE. Also called: Early infantile epileptic encephalopathy; Early infantile epileptic encephalopathy with suppression bursts; Ohtahara syndrome. Identifiers: Orphanet 1934, MedGen C0393706, MONDO:0800491.
Severe myoclonic epilepsy in infancy (DRVT). Also called: SEVERE MYOCLONIC EPILEPSY OF INFANCY; DEVELOPMENTAL AND EPILEPTIC ENCEPHALOPATHY 6A; Severe Myoclonic Epilepsy in Infancy (SMEI); Dravet syndrome; Epileptic encephalopathy, early infantile, 6 (Dravet syndrome). Identifiers: Orphanet 33069, MedGen C0751122, MONDO:0100135, OMIM 607208.

Submissions (3):

Labcorp Genetics (formerly Invitae), Labcorp
Classification: Pathogenic for Early-infantile DEE. Last evaluated: 2024-06-16. Review status: criteria provided, single submitter. Criteria: Invitae Variant Classification Sherloc (09022015). Collection method: clinical testing. Allele origin: germline.
Comment: This sequence change replaces alanine, which is neutral and non-polar, with threonine, which is neutral and polar, at codon 239 of the SCN1A protein (p.Ala239Thr). This variant is not present in population databases (gnomAD no frequency). This missense change has been observed in individual(s) with SCN1A-related conditions (PMID: 17347258, 18554359). In at least one individual the variant was observed to be de novo. ClinVar contains an entry for this variant (Variation ID: 68580). Advanced modeling of protein sequence and biophysical properties (such as structural, functional, and spatial information, amino acid conservation, physicochemical variation, residue mobility, and thermodynamic stability) performed at Invitae indicates that this missense variant is expected to disrupt SCN1A protein function with a positive predictive value of 95%. This variant disrupts the p.Ala239 amino acid residue in SCN1A. Other variant(s) that disrupt this residue have been determined to be pathogenic (Invitae). This suggests that this residue is clinically significant, and that variants that disrupt this residue are likely to be disease-causing. For these reasons, this variant has been classified as Pathogenic.

Center for Bioinformatics, Peking University
Classification: Pathogenic for Dravet syndrome. Last evaluated: 2014-12-20. Review status: criteria provided, single submitter. Criteria: Xu et al. (Hum Mutat. 2015). Collection method: research. Allele origin: de novo. Affected: yes. Observed: 1 variant allele. Study: University Clinical Cooperation “985 Project” PKU-2014-1-1.
Comment: Dravet syndrome (DS) probands were recruited from the outpatient and inpatient child neurology units of Peking University First Hospital from 2005 till present. The study was approved by the Ethics Committee of Peking University First Hospital and the Institutional Review Board at Peking University. Participants or their parents provided written informed consent before enrollment. We collected a total of 267 mutations from 255 families with probands diagnosed with DS in China. All probands fulfilled the clinical diagnostic criteria.

UniProtKB/Swiss-Prot
No classification provided. Condition: Severe myoclonic epilepsy in infancy. Review status: no classification provided. Collection method: not provided. Allele origin: unknown. Not counted in ClinVar's aggregate classification.
Comment: Some patients have a SMEI borderline phenotype

Literature cited by the submitters: PubMed 17347258 (cited by Labcorp Genetics (formerly Invitae), Labcorp); PubMed 18554359 (cited by Labcorp Genetics (formerly Invitae), Labcorp).